The following is an entry in ClinVar:

NM_002474.3(MYH11):c.4308G>A (p.Leu1436=)

Genes: MYH11 (myosin heavy chain 11; minus strand), NDE1 (nudE neurodevelopment protein 1; plus strand). Cytogenetic location: 16p13.11.
Variant type: single nucleotide variant.
Coding change: c.4308G>A on transcript NM_002474.3 (MANE Select); coding-DNA position 4308, G replaced by A.
Protein change: p.Leu1436=; no amino-acid change (leucine 1436 retained).
Molecular consequence: synonymous variant.
Genome position (GRCh38, 1-based): chr16:15,724,218, C>T on the plus strand (G>A on the coding strand, the complement: MYH11 is on the minus strand). VCF-style: chr16-15724218-C-T. GRCh37 (hg19) VCF-style: chr16-15818075-C-T.
Other names: c.4329G>A, p.Leu1443= (NM_001040113.2, NM_001040114.2); c.4308G>A, p.Leu1436= (NM_022844.3); c.975C>T, p.Ser325= (NM_001143979.2, NM_017668.3); c.975C>T (NM_001143979.1).
Identifiers: ClinVar variation 925521 (VCV000925521.9), dbSNP rs761273646, ClinGen allele CA278605729.

ClinVar aggregate classification (germline): Likely benign. Review status: criteria provided, multiple submitters, no conflicts (2 of 4 stars). 5 submissions from 5 submitters: Likely benign (4). 1 of the submissions does not count toward it. Last evaluated 2025-04-22.

Conditions:
NDE1-related disorder. Also called: NDE1-related condition; NDE1-Related Disorders.
Familial thoracic aortic aneurysm and aortic dissection (TAAD). Also called: Thoracic aortic aneurysms and dissections. Identifiers: Orphanet 91387, MedGen C4707243, MONDO:0019625.
Aortic aneurysm, familial thoracic 4 (AAT4). Also called: AORTIC ANEURYSM/AORTIC DISSECTION AND PATENT DUCTUS ARTERIOSUS. Identifiers: MedGen C1851504, MONDO:0007568, OMIM 132900.

Allele frequency attached by ClinVar (database versions not stated): gnomAD exomes 0.00001.
gnomAD v4.1: 6 of 1,614,122 alleles (0.00037%); highest among the groups gnomAD compares: Non-Finnish European, 0.00051%; no homozygotes.

Submissions (5):

Labcorp Genetics (formerly Invitae), Labcorp
Classification: Likely benign for Aortic aneurysm, familial thoracic 4. Last evaluated: 2025-04-22. Review status: criteria provided, single submitter. Criteria: Invitae Variant Classification Sherloc (09022015). Collection method: clinical testing. Allele origin: germline.

All of Us Research Program, National Institutes of Health
Classification: Likely benign for Familial thoracic aortic aneurysm and aortic dissection. Last evaluated: 2023-11-20. Review status: criteria provided, single submitter. Criteria: ACMG Guidelines, 2015. Collection method: clinical testing. Allele origin: germline. Inheritance: Autosomal dominant inheritance. Observed: 3 variant alleles, 3 heterozygotes.
Comment: This study involves interpretation of variants in research participants for the purpose of population health screening. Participant phenotype was not available at the time of variant classification. Additional details can be found in publication PMID: 35346344, PMCID: PMC8962531

Blueprint Genetics
Classification: Likely benign. Last evaluated: 2021-08-24. Review status: criteria provided, single submitter. Criteria: ACMG Guidelines, 2015. Collection method: clinical testing. Allele origin: germline.

Color Diagnostics, LLC DBA Color Health
Classification: Likely benign for Familial thoracic aortic aneurysm and aortic dissection. Last evaluated: 2019-09-09. Review status: criteria provided, single submitter. Criteria: ACMG Guidelines, 2015. Collection method: clinical testing. Allele origin: germline.

PreventionGenetics, part of Exact Sciences
Classification: Likely benign for NDE1-related condition. Last evaluated: 2024-06-27. Review status: no assertion criteria provided. Collection method: clinical testing. Allele origin: germline. Not counted in ClinVar's aggregate classification.
Comment: This variant is classified as likely benign based on ACMG/AMP sequence variant interpretation guidelines (Richards et al. 2015 PMID: 25741868, with internal and published modifications).